The following is an entry in ClinVar:

NM_000288.4(PEX7):c.130+3G>C

Gene: PEX7 (peroxisomal biogenesis factor 7; plus strand). Cytogenetic location: 6q23.3.
Variant type: single nucleotide variant.
Coding change: c.130+3G>C on transcript NM_000288.4 (MANE Select); 3 bases into the intron after coding-DNA position 130, G replaced by C.
Molecular consequence: intron variant.
Genome position (GRCh38, 1-based): chr6:136,822,798, G>C. VCF-style: chr6-136822798-G-C. GRCh37 (hg19) VCF-style: chr6-137143936-G-C.
Identifiers: ClinVar variation 4747544 (VCV004747544.1).
Genomic context (GRCh38, chr6:136,822,798, plus strand): 5'-TCCCCGTACCTGCCGGGCCGCCTGGCCTGCGCCACCGCGCAGCACTACGGCATCGCGGGT[G>C]AGGCGGCGCCGCGCAGCTGGGGCCGGGGGGCGGAGGCGGAGGCGGGGGCCAGCCGGGCTC-3'

ClinVar aggregate classification (germline): Likely pathogenic (1 of 4 stars; one submission).

Conditions:
Peroxisome biogenesis disorder 9B. Also called: PEX7-Related Refsum Disease; Refsum disease, adult, 2; PEROXISOME BIOGENESIS DISORDER, PEX7-RELATED, ATYPICAL. Identifiers: Orphanet 773, MedGen C2749346, MONDO:0013945, OMIM 614879.

Submission:

Labcorp Genetics (formerly Invitae), Labcorp
Classification: Likely pathogenic for Peroxisome biogenesis disorder 9B. Last evaluated: 2025-06-27. Review status: criteria provided, single submitter. Criteria: Invitae Variant Classification Sherloc (09022015). Collection method: clinical testing. Allele origin: germline.
Comment: This sequence change falls in intron 1 of the PEX7 gene. It does not directly change the encoded amino acid sequence of the PEX7 protein. It affects a nucleotide within the consensus splice site. This variant is not present in population databases (gnomAD no frequency). This variant has been observed in individual(s) with autosomal recessive rhizomelic chondrodysplasia punctata (RCDP) (PMID: 11781871). This variant is also known as IVS1+3G>C. Variants that disrupt the consensus splice site are a relatively common cause of aberrant splicing (PMID: 17576681, 9536098). Algorithms developed to predict the effect of sequence changes on RNA splicing suggest that this variant may disrupt the consensus splice site. In summary, the currently available evidence indicates that the variant is pathogenic, but additional data are needed to prove that conclusively. Therefore, this variant has been classified as Likely Pathogenic.

Literature cited by the submitters: PubMed 11781871; PubMed 17576681; PubMed 9536098.